The following is an entry in ClinVar:

ClinVar aggregate classification (germline): Uncertain significance (1 of 4 stars; one submission).

Conditions:
Myopathy, tubular aggregate, 2 (TAM2). Identifiers: MedGen C4014557, MONDO:0014383, OMIM 615883.
Combined immunodeficiency due to ORAI1 deficiency. Also called: IMMUNODEFICIENCY 9. Identifiers: Orphanet 169090, Orphanet 317428, MedGen C2748568, MONDO:0013007, OMIM 612782.

Submission:

Labcorp Genetics (formerly Invitae), Labcorp
Classification: Uncertain significance for Myopathy, tubular aggregate, 2; Combined immunodeficiency due to ORAI1 deficiency. Last evaluated: 2022-07-16. Review status: criteria provided, single submitter. Criteria: Invitae Variant Classification Sherloc (09022015). Collection method: clinical testing. Allele origin: germline.
Comment: In summary, the available evidence is currently insufficient to determine the role of this variant in disease. Therefore, it has been classified as a Variant of Uncertain Significance. Experimental studies and prediction algorithms are not available or were not evaluated, and the functional significance of this variant is currently unknown. This variant has not been reported in the literature in individuals affected with ORAI1-related conditions. This variant is not present in population databases (gnomAD no frequency). This sequence change replaces serine, which is neutral and polar, with asparagine, which is neutral and polar, at codon 227 of the ORAI1 protein (p.Ser227Asn).

NC_000012.12:g.121641417G>A

Gene: ORAI1 (ORAI calcium release-activated calcium modulator 1; plus strand). Cytogenetic location: 12q24.31.
Variant type: single nucleotide variant.
Genome position: GRCh38 VCF-style: chr12-121641417-G-A. GRCh37 (hg19) VCF-style: chr12-122079323-G-A.
Other names: c.680G>A, p.Ser227Asn (NM_032790.4); short protein forms S227N.
Identifiers: ClinVar variation 1974275 (VCV001974275.5), dbSNP rs2503544201, ClinGen allele CA386984139.